The following is an entry in ClinVar:

ClinVar aggregate classification (germline): Benign. Review status: criteria provided, multiple submitters, no conflicts (2 of 4 stars). 3 submissions from 3 submitters: Benign (2). 1 of the submissions does not count toward it. Last evaluated 2018-07-31.

Conditions:
TLR2-related disorder. Also called: TLR2-related condition.

Allele frequency attached by ClinVar (database versions not stated): gnomAD exomes 0.00025 and 0.00069; ExAC 0.00086; 1000 Genomes Project 30x 0.00219; ESP Exome Variant Server 0.00246; 1000 Genomes Project 0.00260; gnomAD 0.00266 and 0.00287; TOPMed 0.00329.
gnomAD v4.1: 803 of 1,613,292 alleles (0.05%); highest among the groups gnomAD compares: African/African-American, 0.91%; 2 homozygotes.

Submissions (3):

Labcorp Genetics (formerly Invitae), Labcorp
Classification: Benign. Last evaluated: 2018-07-31. Review status: criteria provided, single submitter. Criteria: Invitae Variant Classification Sherloc (09022015). Collection method: clinical testing. Allele origin: germline.

Breakthrough Genomics
Classification: Benign. Review status: criteria provided, single submitter. Criteria: ACMG Guidelines, 2015. Collection method: not provided. Allele origin: germline. Inheritance: Autosomal dominant inheritance. Affected: yes.

PreventionGenetics, part of Exact Sciences
Classification: Benign for TLR2-related condition. Last evaluated: 2020-05-15. Review status: no assertion criteria provided. Collection method: clinical testing. Allele origin: germline. Not counted in ClinVar's aggregate classification.
Comment: This variant is classified as benign based on ACMG/AMP sequence variant interpretation guidelines (Richards et al. 2015 PMID: 25741868, with internal and published modifications).

NM_001318789.2(TLR2):c.1736G>A (p.Arg579His)

Gene: TLR2 (toll like receptor 2; plus strand). Cytogenetic location: 4q31.3.
Variant type: single nucleotide variant.
Coding change: c.1736G>A on transcript NM_001318789.2 (MANE Select); coding-DNA position 1736, G replaced by A.
Protein change: p.Arg579His; replaces arginine 579 with histidine.
Molecular consequence: missense variant.
Genome position (GRCh38, 1-based): chr4:153,704,643, G>A. VCF-style: chr4-153704643-G-A. GRCh37 (hg19) VCF-style: chr4-154625795-G-A.
Other names: c.1736G>A, p.Arg579His (NM_001318787.2, NM_001318790.2, NM_001318791.2 and 4 more transcripts); short protein forms R579H.
Identifiers: ClinVar variation 715599 (VCV000715599.6), dbSNP rs5743703, ClinGen allele CA3110945.
Genomic context (GRCh38, chr4:153,704,643, plus strand): 5'-CAGCAAATTACCTGTGTGACTCTCCATCCCATGTGCGTGGCCAGCAGGTTCAGGATGTCC[G>A]CCTCTCGGTGTCGGAATGTCACAGGACAGCACTGGTGTCTGGCATGTGCTGTGCTCTGTT-3'
Protein context (NP_001305718.1, residues 569-589): HVRGQQVQDV[Arg579His]LSVSECHRTA